The following is an entry in ClinVar:

NM_033305.3(VPS13A):c.1562T>G (p.Leu521Ter)

Gene: VPS13A (vacuolar protein sorting 13 homolog A; plus strand). Cytogenetic location: 9q21.2.
Variant type: single nucleotide variant.
Coding change: c.1562T>G on transcript NM_033305.3 (MANE Select); coding-DNA position 1562, T replaced by G.
Protein change: p.Leu521Ter; replaces leucine 521 with a stop codon.
Molecular consequence: nonsense.
Genome position (GRCh38, 1-based): chr9:77,228,231, T>G. VCF-style: chr9-77228231-T-G. GRCh37 (hg19) VCF-style: chr9-79843147-T-G.
Other names: c.1562T>G, p.Leu521Ter (NM_001018037.2, NM_001018038.3, NM_015186.4); short protein forms L521*.
Identifiers: ClinVar variation 2698090 (VCV002698090.3), dbSNP rs2537630096, ClinGen allele CA373845855.

ClinVar aggregate classification (germline): Pathogenic (1 of 4 stars; one submission).

Allele frequency attached by ClinVar (database versions not stated): gnomAD exomes 0.00001.
gnomAD v4.1: 9 of 1,602,156 alleles (0.00056%); highest among the groups gnomAD compares: Non-Finnish European, 0.00077%; no homozygotes.

Submission:

Labcorp Genetics (formerly Invitae), Labcorp
Classification: Pathogenic. Last evaluated: 2024-08-26. Review status: criteria provided, single submitter. Criteria: Invitae Variant Classification Sherloc (09022015). Collection method: clinical testing. Allele origin: germline.
Comment: This sequence change creates a premature translational stop signal (p.Leu521*) in the VPS13A gene. It is expected to result in an absent or disrupted protein product. Loss-of-function variants in VPS13A are known to be pathogenic (PMID: 12404112, 21598378). This variant is not present in population databases (gnomAD no frequency). This variant has not been reported in the literature in individuals affected with VPS13A-related conditions. For these reasons, this variant has been classified as Pathogenic.

Literature cited by the submitters: PubMed 12404112; PubMed 21598378.